The following is an entry in ClinVar:

ClinVar aggregate classification (germline): Uncertain significance. Review status: criteria provided, multiple submitters, no conflicts (2 of 4 stars). 3 submissions from 3 submitters: Uncertain significance (3). Last evaluated 2023-12-12.

Conditions:
Congenital myopathy with fiber type disproportion. Also called: Congenital fiber-type disproportion; Congenital fiber-type disproportion myopathy. Identifiers: Orphanet 2020, MedGen C0546264, MONDO:0009711. Inheritance: all.
Myosin storage myopathy (CMYO7A). Also called: SCAPULOPERONEAL MUSCULAR DYSTROPHY; SCAPULOPERONEAL SYNDROME, MYOPATHIC TYPE; MYH7-related late-onset scapuloperoneal muscular dystrophy; Congenital myopathy 7A, myosin storage, autosomal dominant; MYOPATHY, HYALINE BODY, AUTOSOMAL DOMINANT; Scapuloperoneal myopathy, MYH7-related. Identifiers: Orphanet 437572, Orphanet 636965, MedGen C1842160, MONDO:0008409, OMIM 608358.
Hypertrophic cardiomyopathy 1 (CMH1). Also called: Familial hypertrophic cardiomyopathy 1; MYH7-Related Familial Hypertrophic Cardiomyopathy. Identifiers: MedGen C3495498, MONDO:0008647, OMIM 192600.
MYH7-related skeletal myopathy. Also called: Myopathy, distal, 1; MYOPATHY, DISTAL, EARLY-ONSET, AUTOSOMAL DOMINANT; MYOPATHY, LATE DISTAL HEREDITARY; Laing distal myopathy; Laing early-onset distal myopathy. Identifiers: Orphanet 59135, MedGen C4552004, MONDO:0008050, OMIM 160500.
Dilated cardiomyopathy 1S (CMD1S). Identifiers: Orphanet 154, Orphanet 54260, MedGen C1834481, MONDO:0013262, OMIM 613426.
Myopathy, myosin storage, autosomal recessive (CMYO7B). Also called: CONGENITAL MYOPATHY 7B, MYOSIN STORAGE, AUTOSOMAL RECESSIVE. Identifiers: Orphanet 636970, MedGen C1850709, MONDO:0009708, OMIM 255160.
Hypertrophic cardiomyopathy. Also called: HYPERTROPHIC MYOCARDIOPATHY. Identifiers: Orphanet 217569, MedGen C0007194, MeSH D002312, MONDO:0005045, HP:0001639.

Allele frequency attached by ClinVar (database versions not stated): gnomAD exomes below 0.00001.
gnomAD v4.1: 1 of 1,614,246 alleles (0.000062%); highest among the groups gnomAD compares: African/African-American, 0.0013%; no homozygotes.

Submissions (3):

Labcorp Genetics (formerly Invitae), Labcorp
Classification: Uncertain significance for Hypertrophic cardiomyopathy. Last evaluated: 2023-12-12. Review status: criteria provided, single submitter. Criteria: Invitae Variant Classification Sherloc (09022015). Collection method: clinical testing. Allele origin: germline.
Comment: This sequence change replaces isoleucine, which is neutral and non-polar, with valine, which is neutral and non-polar, at codon 1523 of the MYH7 protein (p.Ile1523Val). This variant is not present in population databases (gnomAD no frequency). This variant has not been reported in the literature in individuals affected with MYH7-related conditions. ClinVar contains an entry for this variant (Variation ID: 524970). Advanced modeling of protein sequence and biophysical properties (such as structural, functional, and spatial information, amino acid conservation, physicochemical variation, residue mobility, and thermodynamic stability) performed at Invitae indicates that this missense variant is not expected to disrupt MYH7 protein function with a negative predictive value of 95%. In summary, the available evidence is currently insufficient to determine the role of this variant in disease. Therefore, it has been classified as a Variant of Uncertain Significance.

Fulgent Genetics
Classification: Uncertain significance for MYH7-related skeletal myopathy; Myosin storage myopathy; Hypertrophic cardiomyopathy 1; Myopathy, myosin storage, autosomal recessive; Congenital myopathy 4A, autosomal dominant; Dilated cardiomyopathy 1S. Last evaluated: 2021-08-31. Review status: criteria provided, single submitter. Criteria: ACMG Guidelines, 2015. Collection method: clinical testing. Allele origin: unknown.

Breakthrough Genomics
Classification: Uncertain significance. Review status: criteria provided, single submitter. Criteria: ACMG Guidelines, 2015. Collection method: not provided. Allele origin: germline. Inheritance: Autosomal recessive inheritance. Affected: yes.

NM_000257.4(MYH7):c.4567A>G (p.Ile1523Val)

Genes: MYH7 (myosin heavy chain 7; minus strand), MHRT (myosin heavy chain associated RNA transcript; plus strand). Cytogenetic location: 14q11.2.
Variant type: single nucleotide variant.
Coding change: c.4567A>G on transcript NM_000257.4 (MANE Select); coding-DNA position 4567, A replaced by G.
Protein change: p.Ile1523Val; replaces isoleucine 1523 with valine.
Molecular consequence: missense variant. On other transcripts: non-coding transcript variant (1).
Genome position (GRCh38, 1-based): chr14:23,416,945, T>C on the plus strand (A>G on the coding strand, the complement: MYH7 is on the minus strand). VCF-style: chr14-23416945-T-C. GRCh37 (hg19) VCF-style: chr14-23886154-T-C.
Other names: short protein forms I1523V.
Identifiers: ClinVar variation 524970 (VCV000524970.11), dbSNP rs1555336580, ClinGen allele CA389038127.